The following is an entry in ClinVar:

ClinVar aggregate classification (germline): Uncertain significance (1 of 4 stars; one submission).

Conditions:
Juvenile polyposis syndrome (JPS). Identifiers: Orphanet 2929, MedGen C0345893, MONDO:0017380, OMIM 174900.

Submission:

Labcorp Genetics (formerly Invitae), Labcorp
Classification: Uncertain significance for Juvenile polyposis syndrome. Last evaluated: 2023-01-26. Review status: criteria provided, single submitter. Criteria: Invitae Variant Classification Sherloc (09022015). Collection method: clinical testing. Allele origin: germline.
Comment: This sequence change replaces isoleucine, which is neutral and non-polar, with valine, which is neutral and non-polar, at codon 478 of the SMAD4 protein (p.Ile478Val). This variant is not present in population databases (gnomAD no frequency). This variant has not been reported in the literature in individuals affected with SMAD4-related conditions. ClinVar contains an entry for this variant (Variation ID: 1475415). Algorithms developed to predict the effect of missense changes on protein structure and function (SIFT, PolyPhen-2, Align-GVGD) all suggest that this variant is likely to be tolerated. In summary, the available evidence is currently insufficient to determine the role of this variant in disease. Therefore, it has been classified as a Variant of Uncertain Significance.

NM_005359.6(SMAD4):c.1432A>G (p.Ile478Val)

Gene: SMAD4 (SMAD family member 4; plus strand). Cytogenetic location: 18q21.2.
Variant type: single nucleotide variant.
Coding change: c.1432A>G on transcript NM_005359.6 (MANE Select); coding-DNA position 1432, A replaced by G.
Protein change: p.Ile478Val; replaces isoleucine 478 with valine.
Molecular consequence: missense variant.
Genome position (GRCh38, 1-based): chr18:51,076,761, A>G. VCF-style: chr18-51076761-A-G. GRCh37 (hg19) VCF-style: chr18-48603131-A-G.
Other names: short protein forms I478V.
Identifiers: ClinVar variation 1475415 (VCV001475415.6), dbSNP rs2144474631, ClinGen allele CA402465363.
Genomic context (GRCh38, chr18:51,076,761, plus strand): 5'-GCAGCTGCCCAGGCAGCAGCCGTGGCAGGAAACATCCCTGGCCCAGGATCAGTAGGTGGA[A>G]TAGCTCCAGCTATCAGTAAGTATGCTTTTCATTCTTTTTTAAAGGTATAATAGTTGATAT-3'
Protein context (NP_005350.1, residues 468-488): NIPGPGSVGG[Ile478Val]APAISLSAAA